The following is an entry in ClinVar:

NM_006258.4(PRKG1):c.65A>G (p.Asp22Gly)

Gene: PRKG1 (protein kinase cGMP-dependent 1; plus strand). Cytogenetic location: 10q11.23.
Variant type: single nucleotide variant.
Coding change: c.65A>G on transcript NM_006258.4 (MANE Select); coding-DNA position 65, A replaced by G.
Protein change: p.Asp22Gly; replaces aspartic acid 22 with glycine.
Molecular consequence: missense variant. On other transcripts: intron variant (1).
Genome position (GRCh38, 1-based): chr10:51,074,655, A>G. VCF-style: chr10-51074655-A-G. GRCh37 (hg19) VCF-style: chr10-52834415-A-G.
Other names: c.65A>G, p.Asp22Gly (NM_001374782.1); c.267-78509A>G (NM_001098512.3); short protein forms D22G.
Identifiers: ClinVar variation 4820461 (VCV004820461.1).

ClinVar aggregate classification (germline): Uncertain significance (1 of 4 stars; one submission).

Conditions:
Cardiovascular phenotype. Identifiers: MedGen CN230736.

Submission:

Molecular Diagnostic Laboratory for Inherited Cardiovascular Disease, Montreal Heart Institute
Classification: Uncertain significance for Cardiovascular phenotype. Last evaluated: 2026-03-27. Review status: criteria provided, single submitter. Criteria: ACMG Guidelines, 2015. Collection method: clinical testing. Allele origin: germline. Affected: yes.
Comment: PM2